The following is an entry in ClinVar:

ClinVar aggregate classification (germline): Uncertain significance (1 of 4 stars; one submission).

Conditions:
Leigh syndrome (NULS). Also called: Leigh's necrotizing encephalopathy; Leigh's disease; Leigh's syndrome; LEIGH SYNDROME, NUCLEAR; Leigh Syndrome (mtDNA deletion); Leigh Disease. Identifiers: Orphanet 506, MedGen C2931891, MONDO:0009723, OMIM 256000.

Submission:

Wong Mito Lab, Molecular and Human Genetics, Baylor College of Medicine
Classification: Uncertain significance for Leigh syndrome. Last evaluated: 2019-10-17. Review status: criteria provided, single submitter. Criteria: Modified ACMG Guidelines (Unpublished). Collection method: clinical testing. Allele origin: germline.
Comment: The NC_012920.1:m.14276C>T (YP_003024037.1:p.Gly133Glu) variant in MTND6 gene is interpretated to be a Uncertain Significance variant based on the modified ACMG guidelines (unpublished). This variant meets the following evidence codes: no criteria

NC_012920.1(MT-ND6):m.14276C>T

Gene: MT-ND6 (mitochondrially encoded NADH dehydrogenase 6; minus strand).
Variant type: single nucleotide variant.
Genome position: chrM-14276-C-T.
Identifiers: ClinVar variation 693701 (VCV000693701.1), dbSNP rs1603224645, ClinGen allele CA414821713.